The following is an entry in ClinVar:

ClinVar aggregate classification (germline): Pathogenic (0 of 4 stars; one submission).

Conditions:
Seizures, benign familial neonatal, 1. Also called: KCNQ2-Related Benign Familial Neonatal Epilepsy; Benign Neonatal Epilepsy 1; KCNQ2-Related Self-Limited Familial Neonatal Epilepsy (SLFNE); Seizures, benign neonatal, 1. Identifiers: Orphanet 1949, MedGen C3149074, MONDO:0007365, OMIM 121200.

Submission:

GeneReviews
Classification: Pathogenic for Seizures, benign familial neonatal, 1. Last evaluated: 2016-03-31. Review status: no assertion criteria provided. Collection method: literature only. Allele origin: germline. Affected: yes.
Comment: BFNIS (benign familial neonatal-infantile seizures); 4/11 FS (febrile seizures), GS (generalized seizures) until 10 yrs

Literature cited by the submitters: PubMed 9425895; PubMed 14534157.

NM_172107.2(KCNQ2):c.1119-?_*382del

Gene: KCNQ2 (potassium voltage-gated channel subfamily Q member 2; minus strand). Cytogenetic location: 20q13.33.
Variant type: Deletion.
Coding change: c.1119-?_*382del on transcript NM_172107.2.
Identifiers: ClinVar variation 369787 (VCV000369787.1).